The following is an entry in ClinVar:

NM_004959.5(NR5A1):c.1063G>A (p.Val355Met)

Gene: NR5A1 (nuclear receptor subfamily 5 group A member 1; minus strand). Cytogenetic location: 9q33.3.
Variant type: single nucleotide variant.
Coding change: c.1063G>A on transcript NM_004959.5 (MANE Select); coding-DNA position 1063, G replaced by A.
Protein change: p.Val355Met; replaces valine 355 with methionine.
Molecular consequence: missense variant.
Genome position (GRCh38, 1-based): chr9:124,491,156, C>T on the plus strand (G>A on the coding strand, the complement: NR5A1 is on the minus strand). VCF-style: chr9-124491156-C-T. GRCh37 (hg19) VCF-style: chr9-127253435-C-T.
Other names: short protein forms V355M.
Identifiers: ClinVar variation 981141 (VCV000981141.8), dbSNP rs371701248, ClinGen allele CA5235294.

ClinVar aggregate classification (germline): Conflicting classifications of pathogenicity. Review status: criteria provided, conflicting classifications (1 of 4 stars). 3 submissions from 3 submitters: Likely pathogenic (2); Uncertain significance (1). Last evaluated 2025-06-08.

Conditions:
Male infertility. Identifiers: MedGen C0021364, MeSH D007248, MONDO:0005372, HP:0003251.
Oligosynaptic infertility (SPGF1). Also called: OLIGOCHIASMATIC INFERTILITY; SPERMATOGENIC FAILURE 1. Identifiers: MedGen C0403810, MONDO:0009776, OMIM 258150.
46 XY differences of sex development. Also called: 46, XY disorder of sex development (DSD); 46,XY disorder of sex development. Identifiers: Orphanet 98085, MedGen C2751824, MONDO:0020040.
Premature ovarian failure 7 (POF7). Identifiers: MedGen C2751825, MONDO:0013065, OMIM 612964.

Allele frequency attached by ClinVar (database versions not stated): gnomAD 0.00007; ExAC 0.00010; ESP Exome Variant Server 0.00015; 1000 Genomes Project 0.00100; TOPMed 0.00008; gnomAD exomes 0.00014; 1000 Genomes Project 30x 0.00078.
gnomAD v4.1: 212 of 1,609,150 alleles (0.013%); highest among the groups gnomAD compares: South Asian, 0.043%; 1 homozygote.

Submissions (3):

Labcorp Genetics (formerly Invitae), Labcorp
Classification: Uncertain significance for 46 XY differences of sex development; Oligosynaptic infertility. Last evaluated: 2025-06-08. Review status: criteria provided, single submitter. Criteria: Invitae Variant Classification Sherloc (09022015). Collection method: clinical testing. Allele origin: germline.
Comment: This sequence change replaces valine, which is neutral and non-polar, with methionine, which is neutral and non-polar, at codon 355 of the NR5A1 protein (p.Val355Met). This variant is present in population databases (rs371701248, gnomAD 0.03%). This missense change has been observed in individual(s) with anorchia, idiopathic oligozoospermia, and/or premature ovarian failure (PMID: 17940071, 32655042, 34803902). ClinVar contains an entry for this variant (Variation ID: 981141). Invitae Evidence Modeling of protein sequence and biophysical properties (such as structural, functional, and spatial information, amino acid conservation, physicochemical variation, residue mobility, and thermodynamic stability) indicates that this missense variant is not expected to disrupt NR5A1 protein function with a negative predictive value of 95%. Experimental studies are conflicting or provide insufficient evidence to determine the effect of this variant on NR5A1 function (PMID: 17940071, 30067310). In summary, the available evidence is currently insufficient to determine the role of this variant in disease. Therefore, it has been classified as a Variant of Uncertain Significance.

Institute of Reproductive Genetics, University of Münster
Classification: Likely pathogenic for Male infertility. Last evaluated: 2024-01-16. Review status: criteria provided, single submitter. Criteria: Uk Practice Guidelines For Variant Classification V4 01 2020. Collection method: research, in vitro. Allele origin: germline, not applicable. Observed: 1 variant allele, 1 heterozygote.

Institute of Human Genetics, University of Goettingen
Classification: Likely pathogenic for Premature ovarian failure 7. Last evaluated: 2023-01-03. Review status: criteria provided, single submitter. Criteria: ACMG Guidelines, 2015. Collection method: clinical testing. Allele origin: unknown. Inheritance: Sporadic. Affected: yes.

Literature cited by the submitters: PubMed 17940071 (cited by Labcorp Genetics (formerly Invitae), Labcorp); PubMed 32655042 (cited by Labcorp Genetics (formerly Invitae), Labcorp); PubMed 34803902 (cited by Labcorp Genetics (formerly Invitae), Labcorp); PubMed 30067310 (cited by Labcorp Genetics (formerly Invitae), Labcorp).